The following is an entry in ClinVar:

ClinVar aggregate classification (germline): Benign/Likely benign. Review status: criteria provided, multiple submitters, no conflicts (2 of 4 stars). 3 submissions from 3 submitters: Benign (1); Likely benign (2). Last evaluated 2025-05-25.

Conditions:
Familial thoracic aortic aneurysm and aortic dissection (TAAD). Also called: Thoracic aortic aneurysms and dissections. Identifiers: Orphanet 91387, MedGen C4707243, MONDO:0019625.
Hereditary cancer-predisposing syndrome. Also called: Neoplastic Syndromes, Hereditary; Tumor predisposition; Hereditary neoplastic syndrome; Hereditary Cancer Syndrome. Identifiers: Orphanet 140162, MedGen C0027672, MeSH D009386, MONDO:0015356.
Juvenile polyposis syndrome (JPS). Identifiers: Orphanet 2929, MedGen C0345893, MONDO:0017380, OMIM 174900.
Juvenile polyposis/hereditary hemorrhagic telangiectasia syndrome (JPHT). Also called: JP/HHT SYNDROME; JUVENILE POLYPOSIS WITH HEREDITARY HEMORRHAGIC TELANGIECTASIA; POLYPOSIS, GENERALIZED JUVENILE, WITH PULMONARY ARTERIOVENOUS MALFORMATION; TELANGIECTASIA, HEREDITARY HEMORRHAGIC, WITH JUVENILE POLYPOSIS COLI; Juvenile Polyposis Syndrome / Hereditary Hemorrhagic Telangiectasia (JPS/HHT). Identifiers: Orphanet 2929, MedGen C1832942, MONDO:0008278, OMIM 175050.

gnomAD v4.1: 1 of 1,612,882 alleles (0.000062%); highest among the groups gnomAD compares: Non-Finnish European, 0.000085%; no homozygotes.

Submissions (3):

Ambry Genetics
Classification: Likely benign for Hereditary cancer-predisposing syndrome; Familial thoracic aortic aneurysm and aortic dissection. Last evaluated: 2025-05-25. Review status: criteria provided, single submitter. Criteria: Ambry Variant Classification Scheme 2023. Collection method: clinical testing. Allele origin: germline.

Myriad Genetics, Inc.
Classification: Benign for Juvenile polyposis/hereditary hemorrhagic telangiectasia syndrome. Last evaluated: 2025-03-19. Review status: criteria provided, single submitter. Criteria: Myriad Autosomal Dominant, Autosomal Recessive and X-Linked Classification Criteria (2023). Collection method: clinical testing. Allele origin: unknown.
Comment: This variant is considered benign. This variant is a silent/synonymous amino acid change and it is not expected to impact splicing.

Labcorp Genetics (formerly Invitae), Labcorp
Classification: Likely benign for Juvenile polyposis syndrome. Last evaluated: 2025-01-23. Review status: criteria provided, single submitter. Criteria: Invitae Variant Classification Sherloc (09022015). Collection method: clinical testing. Allele origin: germline.

NM_005359.6(SMAD4):c.420A>G (p.Gly140=)

Gene: SMAD4 (SMAD family member 4; plus strand). Cytogenetic location: 18q21.2.
Variant type: single nucleotide variant.
Coding change: c.420A>G on transcript NM_005359.6 (MANE Select); coding-DNA position 420, A replaced by G.
Protein change: p.Gly140=; no amino-acid change (glycine 140 retained).
Molecular consequence: synonymous variant. On other transcripts: non-coding transcript variant (2).
Genome position (GRCh38, 1-based): chr18:51,048,856, A>G. VCF-style: chr18-51048856-A-G. GRCh37 (hg19) VCF-style: chr18-48575226-A-G.
Other names: c.420A>G, p.Gly140= (NM_001407041.1, NM_001407042.1, NM_001407043.1).
Identifiers: ClinVar variation 2115927 (VCV002115927.6), dbSNP rs1599182589, ClinGen allele CA503873637.
Genomic context (GRCh38, chr18:51,048,856, plus strand): 5'-CTTAAAATGTGATAGTGTCTGTGTGAATCCATATCACTACGAACGAGTTGTATCACCTGG[A>G]ATTGGTAAGTAGACTTTGCTTTCATCCTAAGAAACATAAAGGGAAAAGGATCTCAATAGT-3'
Protein context (NP_005350.1, residues 130-150): PYHYERVVSP[Gly140=]IDLSGLTLQS